The following is an entry in ClinVar:

ClinVar aggregate classification (germline): Uncertain significance (1 of 4 stars; one submission).

Submission:

Ambry Genetics
Classification: Uncertain significance. Last evaluated: 2026-03-06. Review status: criteria provided, single submitter. Criteria: Ambry Variant Classification Scheme 2023. Collection method: clinical testing. Allele origin: germline.
Comment: The p.E116V variant (also known as c.347A>T), located in coding exon 2 of the GEN1 gene, results from an A to T substitution at nucleotide position 347. The glutamic acid at codon 116 is replaced by valine, an amino acid with dissimilar properties. This amino acid position is conserved. In addition, the in silico prediction for this alteration is inconclusive. Based on the available evidence, the clinical significance of this variant remains unclear.

NM_001130009.3(GEN1):c.347A>T (p.Glu116Val)

Gene: GEN1 (GEN1 structure-specific endonuclease; plus strand). Cytogenetic location: 2p24.2.
Variant type: single nucleotide variant.
Coding change: c.347A>T on transcript NM_001130009.3 (MANE Select); coding-DNA position 347, A replaced by T.
Protein change: p.Glu116Val; replaces glutamic acid 116 with valine.
Molecular consequence: missense variant.
Genome position (GRCh38, 1-based): chr2:17,761,581, A>T. VCF-style: chr2-17761581-A-T. GRCh37 (hg19) VCF-style: chr2-17942848-A-T.
Other names: c.347A>T, p.Glu116Val (NM_182625.5); short protein forms E116V.
Identifiers: ClinVar variation 4826300 (VCV004826300.1).